The following is an entry in ClinVar:

NM_006929.5(SKIC2):c.3622C>T (p.Arg1208Cys)

Gene: SKIC2 (SKI2 subunit of superkiller complex; plus strand). Cytogenetic location: 6p21.33.
Variant type: single nucleotide variant.
Coding change: c.3622C>T on transcript NM_006929.5 (MANE Select); coding-DNA position 3622, C replaced by T.
Protein change: p.Arg1208Cys; replaces arginine 1208 with cysteine.
Molecular consequence: missense variant.
Genome position (GRCh38, 1-based): chr6:31,969,596, C>T. VCF-style: chr6-31969596-C-T. GRCh37 (hg19) VCF-style: chr6-31937373-C-T.
Other names: short protein forms R1208C.
Identifiers: ClinVar variation 1414402 (VCV001414402.4), dbSNP rs144418335, ClinGen allele CA3730100.

ClinVar aggregate classification (germline): Conflicting classifications of pathogenicity. Review status: criteria provided, conflicting classifications (1 of 4 stars). 2 submissions from 2 submitters: Uncertain significance (1); Likely benign (1). Last evaluated 2024-09-20.

Conditions:
Trichohepatoenteric syndrome 2 (THES2). Identifiers: Orphanet 84064, MedGen C3281289, MONDO:0013818, OMIM 614602.

Allele frequency attached by ClinVar (database versions not stated): ExAC 0.00012; gnomAD 0.00013 and 0.00014; TOPMed 0.00014; gnomAD exomes 0.00020 and 0.00024; ESP Exome Variant Server 0.00024.
gnomAD v4.1: 375 of 1,613,360 alleles (0.023%); highest among the groups gnomAD compares: Admixed American, 0.043%; no homozygotes.

Submissions (2):

3billion
Classification: Likely benign for Trichohepatoenteric syndrome 2. Last evaluated: 2024-09-20. Review status: criteria provided, single submitter. Criteria: ACMG Guidelines, 2015. Collection method: clinical testing. Allele origin: germline. Affected: no.
Comment: The homozygous variant was found in patients diagnosed with another variant in a different gene, with no symptoms related to the gene containing the homozygous variant.

Labcorp Genetics (formerly Invitae), Labcorp
Classification: Uncertain significance. Last evaluated: 2022-07-14. Review status: criteria provided, single submitter. Criteria: Invitae Variant Classification Sherloc (09022015). Collection method: clinical testing. Allele origin: germline.
Comment: This sequence change replaces arginine, which is basic and polar, with cysteine, which is neutral and slightly polar, at codon 1208 of the SKIV2L protein (p.Arg1208Cys). This variant is present in population databases (rs144418335, gnomAD 0.06%). This variant has not been reported in the literature in individuals affected with SKIV2L-related conditions. ClinVar contains an entry for this variant (Variation ID: 1414402). Algorithms developed to predict the effect of missense changes on protein structure and function are either unavailable or do not agree on the potential impact of this missense change (SIFT: "Deleterious"; PolyPhen-2: "Probably Damaging"; Align-GVGD: "Class C0"). In summary, the available evidence is currently insufficient to determine the role of this variant in disease. Therefore, it has been classified as a Variant of Uncertain Significance.